The following is an entry in ClinVar:

ClinVar aggregate classification (germline): Uncertain significance (1 of 4 stars; one submission).

Conditions:
DICER1-related tumor predisposition. Also called: DICER1-related pleuropulmonary blastoma cancer predisposition syndrome; DICER1 syndrome. Identifiers: Orphanet 284343, MedGen C3839822, MONDO:0100216.

Submission:

Labcorp Genetics (formerly Invitae), Labcorp
Classification: Uncertain significance for DICER1-related tumor predisposition. Last evaluated: 2019-10-31. Review status: criteria provided, single submitter. Criteria: Invitae Variant Classification Sherloc (09022015). Collection method: clinical testing. Allele origin: germline.
Comment: In summary, the available evidence is currently insufficient to determine the role of this variant in disease. Therefore, it has been classified as a Variant of Uncertain Significance. Algorithms developed to predict the effect of missense changes on protein structure and function (SIFT, PolyPhen-2, Align-GVGD) all suggest that this variant is likely to be disruptive, but these predictions have not been confirmed by published functional studies and their clinical significance is uncertain. This variant has not been reported in the literature in individuals with DICER1-related conditions. This variant is not present in population databases (ExAC no frequency). This sequence change replaces valine with leucine at codon 1882 of the DICER1 protein (p.Val1882Leu). The valine residue is highly conserved and there is a small physicochemical difference between valine and leucine.

NM_177438.3(DICER1):c.5644G>C (p.Val1882Leu)

Gene: DICER1 (dicer 1, ribonuclease III; minus strand). Cytogenetic location: 14q32.13.
Variant type: single nucleotide variant.
Coding change: c.5644G>C on transcript NM_177438.3 (MANE Select); coding-DNA position 5644, G replaced by C.
Protein change: p.Val1882Leu; replaces valine 1882 with leucine.
Molecular consequence: missense variant. On other transcripts: synonymous variant (1).
Genome position (GRCh38, 1-based): chr14:95,090,623, C>G on the plus strand (G>C on the coding strand, the complement: DICER1 is on the minus strand). VCF-style: chr14-95090623-C-G. GRCh37 (hg19) VCF-style: chr14-95556960-C-G.
Other names: c.5481G>C, p.Leu1827= (NM_001195573.1); c.5644G>C, p.Val1882Leu (NM_001271282.3, NM_001291628.2, NM_030621.4); short protein forms V1882L.
Identifiers: ClinVar variation 970755 (VCV000970755.11), dbSNP rs1889708140, ClinGen allele CA390863547.